The following is an entry in ClinVar:

NM_000521.4(HEXB):c.1252G>C (p.Gly418Arg)

Gene: HEXB (hexosaminidase subunit beta; plus strand). Cytogenetic location: 5q13.3.
Variant type: single nucleotide variant.
Coding change: c.1252G>C on transcript NM_000521.4 (MANE Select); coding-DNA position 1252, G replaced by C.
Protein change: p.Gly418Arg; replaces glycine 418 with arginine.
Molecular consequence: missense variant.
Genome position (GRCh38, 1-based): chr5:74,718,806, G>C. VCF-style: chr5-74718806-G-C. GRCh37 (hg19) VCF-style: chr5-74014631-G-C.
Other names: c.577G>C, p.Gly193Arg (NM_001292004.2); short protein forms G193R, G418R.
Identifiers: ClinVar variation 1962562 (VCV001962562.3), dbSNP rs2478765386, ClinGen allele CA360070174.

ClinVar aggregate classification (germline): Uncertain significance (1 of 4 stars; one submission).

Conditions:
Sandhoff disease. Also called: GM2-GANGLIOSIDOSIS, TYPE II; HEXOSAMINIDASES A AND B DEFICIENCY; Beta-hexosaminidase-beta-subunit deficiency; GM2 gangliosidosis, type 2; Total hexosaminidase deficiency; Sandhoff-Jatzkewitz-Pilz disease. Identifiers: Orphanet 796, MedGen C0036161, MONDO:0010006, OMIM 268800.

Submission:

Labcorp Genetics (formerly Invitae), Labcorp
Classification: Uncertain significance for Sandhoff disease. Last evaluated: 2022-07-17. Review status: criteria provided, single submitter. Criteria: Invitae Variant Classification Sherloc (09022015). Collection method: clinical testing. Allele origin: germline.
Comment: In summary, the available evidence is currently insufficient to determine the role of this variant in disease. Therefore, it has been classified as a Variant of Uncertain Significance. Advanced modeling of protein sequence and biophysical properties (such as structural, functional, and spatial information, amino acid conservation, physicochemical variation, residue mobility, and thermodynamic stability) performed at Invitae indicates that this missense variant is not expected to disrupt HEXB protein function. This variant has not been reported in the literature in individuals affected with HEXB-related conditions. This variant is not present in population databases (gnomAD no frequency). This sequence change replaces glycine, which is neutral and non-polar, with arginine, which is basic and polar, at codon 418 of the HEXB protein (p.Gly418Arg).